The following is an entry in ClinVar:

ClinVar aggregate classification (germline): Uncertain significance. Review status: criteria provided, single submitter (1 of 4 stars). 2 submissions from 2 submitters: Uncertain significance (1). 1 of the submissions does not count toward it. Last evaluated 2024-09-03.

Conditions:
PLXNA1-related disorder. Also called: PLXNA1-related condition.

Allele frequency attached by ClinVar (database versions not stated): TOPMed 0.00003; gnomAD exomes 0.00004; gnomAD 0.00006; ExAC 0.00008.
gnomAD v4.1: 63 of 1,612,116 alleles (0.0039%); highest among the groups gnomAD compares: Admixed American, 0.0033%; no homozygotes.

Submissions (2):

Ambry Genetics
Classification: Uncertain significance. Last evaluated: 2024-09-03. Review status: criteria provided, single submitter. Criteria: Ambry Variant Classification Scheme 2023. Collection method: clinical testing. Allele origin: germline.

PreventionGenetics, part of Exact Sciences
Classification: Uncertain significance for PLXNA1-related condition. Last evaluated: 2023-12-04. Review status: no assertion criteria provided. Collection method: clinical testing. Allele origin: germline. Not counted in ClinVar's aggregate classification.
Comment: The PLXNA1 c.2680G>A variant is predicted to result in the amino acid substitution p.Glu894Lys. To our knowledge, this variant has not been reported in the literature. This variant is reported in 0.12% of alleles in individuals of Ashkenazi Jewish descent in gnomAD, which may be too common to be an undocumented disease causing variant. Although we suspect that this variant may be benign, at this time, the clinical significance of this variant is uncertain due to the absence of conclusive functional and genetic evidence.

NM_032242.4(PLXNA1):c.2680G>A (p.Glu894Lys)

Gene: PLXNA1 (plexin A1; plus strand). Cytogenetic location: 3q21.3.
Variant type: single nucleotide variant.
Coding change: c.2680G>A on transcript NM_032242.4 (MANE Select); coding-DNA position 2680, G replaced by A.
Protein change: p.Glu894Lys; replaces glutamic acid 894 with lysine.
Molecular consequence: missense variant.
Genome position (GRCh38, 1-based): chr3:127,014,553, G>A. VCF-style: chr3-127014553-G-A. GRCh37 (hg19) VCF-style: chr3-126733396-G-A.
Other names: short protein forms E894K.
Identifiers: ClinVar variation 2628490 (VCV002628490.4), dbSNP rs752361197, ClinGen allele CA2593725.
Genomic context (GRCh38, chr3:127,014,553, plus strand): 5'-GGCCCGAGGCAGGGCGGCACGCGGCTCACTATCACAGGCGAGAACCTGGGCCTGCGATTC[G>A]AAGACGTGCGTCTGGGCGTGCGCGTGGGCAAGGTGCTGTGCAGCCCTGTGGAGAGCGAGT-3'
Protein context (NP_115618.3, residues 884-904): ITGENLGLRF[Glu894Lys]DVRLGVRVGK